The following is an entry in ClinVar:

NM_015087.5(SPART):c.826T>C (p.Tyr276His)

Gene: SPART (spartin; minus strand). Cytogenetic location: 13q13.3.
Variant type: single nucleotide variant.
Coding change: c.826T>C on transcript NM_015087.5 (MANE Select); coding-DNA position 826, T replaced by C.
Protein change: p.Tyr276His; replaces tyrosine 276 with histidine.
Molecular consequence: missense variant.
Genome position (GRCh38, 1-based): chr13:36,331,581, A>G on the plus strand (T>C on the coding strand, the complement: SPART is on the minus strand). VCF-style: chr13-36331581-A-G. GRCh37 (hg19) VCF-style: chr13-36905718-A-G.
Other names: c.826T>C, p.Tyr276His (NM_001142294.2, NM_001142295.2, NM_001142296.2); short protein forms Y276H.
Identifiers: ClinVar variation 4721914 (VCV004721914.1).
Genomic context (GRCh38, chr13:36,331,581, plus strand): 5'-GAAACATGTAGGCTCCCGCAGTACATTTCAGAACCGGAGATCTATCAGGAACTAGAGGAT[A>G]TAACCAGTCACAAACCTGAAAGGATTCATTAGAAGAAAAAAAATATACATATAAATAAAT-3'
Protein context (NP_055902.1, residues 266-286): PGFLQVCDWL[Tyr276His]PLVPDRSPVL

ClinVar aggregate classification (germline): Uncertain significance (1 of 4 stars; one submission).

gnomAD v4.1: 1 of 1,613,856 alleles (0.000062%); highest among the groups gnomAD compares: Non-Finnish European, 0.000085%; no homozygotes.

Submission:

Labcorp Genetics (formerly Invitae), Labcorp
Classification: Uncertain significance. Last evaluated: 2025-02-16. Review status: criteria provided, single submitter. Criteria: Invitae Variant Classification Sherloc (09022015). Collection method: clinical testing. Allele origin: germline.
Comment: This sequence change replaces tyrosine, which is neutral and polar, with histidine, which is basic and polar, at codon 276 of the SPART protein (p.Tyr276His). This variant is not present in population databases (gnomAD no frequency). This variant has not been reported in the literature in individuals affected with SPART-related conditions. Invitae Evidence Modeling of protein sequence and biophysical properties (such as structural, functional, and spatial information, amino acid conservation, physicochemical variation, residue mobility, and thermodynamic stability) has been performed for this missense variant. However, the output from this modeling did not meet the statistical confidence thresholds required to predict the impact of this variant on SPART protein function. In summary, the available evidence is currently insufficient to determine the role of this variant in disease. Therefore, it has been classified as a Variant of Uncertain Significance.